The following is an entry in ClinVar:

ClinVar aggregate classification (germline): Pathogenic/Likely pathogenic. Review status: criteria provided, multiple submitters, no conflicts (2 of 4 stars). 3 submissions from 3 submitters: Pathogenic (1); Likely pathogenic (2). Last evaluated 2026-05-07.

Conditions:
ABCA3-related disorder. Also called: ABCA3-related condition.
Interstitial lung disease due to ABCA3 deficiency. Also called: PULMONARY ALVEOLAR PROTEINOSIS, CONGENITAL, 3. Identifiers: Orphanet 440402, MedGen C1970456, MONDO:0012582, OMIM 610921.

Submissions (3):

Myriad Genetics, Inc.
Classification: Pathogenic for Interstitial lung disease due to ABCA3 deficiency. Last evaluated: 2026-05-07. Review status: criteria provided, single submitter. Criteria: Myriad Autosomal Dominant, Autosomal Recessive and X-Linked Classification Criteria (2023). Collection method: clinical testing. Allele origin: unknown.
Comment: NM_001089.2(ABCA3):c.4751delT(L1584Rfs*50) is a frameshift variant classified as pathogenic in the context of surfactant deficiency, ABCA3-related. L1584Rfs*50 has been observed in cases with relevant disease (PMID: 28215425, 36324278, 16728712). Relevant functional assessments of this variant are not available in the literature. L1584Rfs*50 has not been observed in referenced population frequency databases. In summary, NM_001089.2(ABCA3):c.4751delT(L1584Rfs*50) is a frameshift variant in a gene where loss of function is a known mechanism of disease, is predicted to disrupt protein function, and has been observed more frequently in cases with the relevant disease than in healthy populations. Please note: this variant was assessed in the context of healthy population screening.

Fulgent Genetics
Classification: Likely pathogenic for Interstitial lung disease due to ABCA3 deficiency. Last evaluated: 2024-02-17. Review status: criteria provided, single submitter. Criteria: ACMG Guidelines, 2015. Collection method: clinical testing. Allele origin: germline.

Blueprint Genetics
Classification: Likely pathogenic for ABCA3-related disorders. Last evaluated: 2020-04-06. Review status: criteria provided, single submitter. Criteria: ACMG Guidelines, 2015. Collection method: clinical testing. Allele origin: germline. Affected: yes. Observed: 2 variant alleles.

Literature cited by the submitters: PubMed 16728712 (cited by Myriad Genetics, Inc.); PubMed 28215425 (cited by Myriad Genetics, Inc.); PubMed 36324278 (cited by Myriad Genetics, Inc.).

NM_001089.3(ABCA3):c.4751del (p.Leu1584fs)

Gene: ABCA3 (ATP binding cassette subfamily A member 3; minus strand). Cytogenetic location: 16p13.3.
Variant type: Deletion.
Coding change: c.4751del on transcript NM_001089.3 (MANE Select); coding-DNA position 4751, one base deleted (T; older notation c.4751delT).
Protein change: p.Leu1584fs; shifts the reading frame from leucine 1584.
Molecular consequence: frameshift variant.
Genome position (GRCh38, 1-based): chr16:2,278,037, A deleted on the plus strand (T on the coding strand, the reverse complement: ABCA3 is on the minus strand). VCF-style (leftmost placement, unchanged base first): chr16-2278036-CA-C. GRCh37 (hg19) VCF-style: chr16-2328037-CA-C.
Other names: short protein forms L1584fs.
Identifiers: ClinVar variation 3579943 (VCV003579943.3).